The following is an entry in ClinVar:

ClinVar aggregate classification (germline): Uncertain significance (1 of 4 stars; one submission).

Conditions:
Nemaline myopathy 2 (NEM2). Also called: Nemaline myopathy 2, autosomal recessive. Identifiers: MedGen C1850569, MONDO:0009725, OMIM 256030.

Submission:

Labcorp Genetics (formerly Invitae), Labcorp
Classification: Uncertain significance for Nemaline myopathy 2. Last evaluated: 2022-04-26. Review status: criteria provided, single submitter. Criteria: Invitae Variant Classification Sherloc (09022015). Collection method: clinical testing. Allele origin: germline.
Comment: In summary, the available evidence is currently insufficient to determine the role of this variant in disease. Therefore, it has been classified as a Variant of Uncertain Significance. Variants that disrupt the consensus splice site are a relatively common cause of aberrant splicing (PMID: 17576681, 9536098). This variant has not been reported in the literature in individuals affected with NEB-related conditions. The frequency data for this variant in the population databases (gnomAD) is considered unreliable due to the presence of homologous sequence, such as pseudogenes or paralogs, in the genome. This sequence change falls in intron 82 of the NEB gene. It does not directly change the encoded amino acid sequence of the NEB protein. It affects a nucleotide within the consensus splice site. This variant occurs in a region of NEB (Exons 82-105) consisting of three highly homologous 8-exon repeat units (exons 82-89, exons 90-97, exons 98-105). Sequence variants in this region can be detected, but this assay cannot determine which of the three repeat units is affected, and zygosity is often ambiguous. All variants in this region are reported relative to the exon 82-89 repeat.

Literature cited by the submitters: PubMed 17576681; PubMed 9536098.

NM_001164508.2(NEB):c.12535-3C>T

Gene: NEB (nebulin; minus strand). Cytogenetic location: 2q23.3.
Variant type: single nucleotide variant.
Coding change: c.12535-3C>T on transcript NM_001164508.2 (MANE Select); 3 bases into the intron before coding-DNA position 12535, C replaced by T.
Molecular consequence: intron variant.
Genome position (GRCh38, 1-based): chr2:151,607,611, G>A on the plus strand (C>T on the coding strand, the complement: NEB is on the minus strand). VCF-style: chr2-151607611-G-A. GRCh37 (hg19) VCF-style: chr2-152464125-G-A.
Other names: c.11601+2198C>T (NM_004543.5); c.12535-3C>T (NM_001164507.2, NM_001271208.2).
Identifiers: ClinVar variation 1479267 (VCV001479267.8), dbSNP rs2153958050, ClinGen allele CA2573133378.